The following is an entry in ClinVar:

ClinVar aggregate classification (germline): Uncertain significance (1 of 4 stars; one submission).

Conditions:
Leigh syndrome (NULS). Also called: Leigh's necrotizing encephalopathy; Leigh's disease; Leigh Syndrome (mtDNA deletion); Leigh Disease; Subacute necrotizing encephalopathy; Necrotizing encephalopathy infantile subacute of Leigh. Identifiers: Orphanet 506, MedGen C2931891, MONDO:0009723, OMIM 256000.

Submission:

Wong Mito Lab, Molecular and Human Genetics, Baylor College of Medicine
Classification: Uncertain significance for Leigh syndrome. Last evaluated: 2019-10-17. Review status: criteria provided, single submitter. Criteria: Modified ACMG Guidelines (Unpublished). Collection method: clinical testing. Allele origin: germline.
Comment: The NC_012920.1:m.6520T>C (YP_003024028.1:p.Ile206Thr) variant in MTCO1 gene is interpretated to be a Uncertain Significance variant based on the modified ACMG guidelines (unpublished). This variant meets the following evidence codes: PP3

NC_012920.1(MT-CO1):m.6520T>C

Gene: MT-CO1 (mitochondrially encoded cytochrome c oxidase I; plus strand).
Variant type: single nucleotide variant.
Genome position: chrM-6520-T-C.
Identifiers: ClinVar variation 692656 (VCV000692656.1), dbSNP rs1603220520, ClinGen allele CA414784508.